The following is an entry in ClinVar:

NM_030667.3(PTPRO):c.1705A>G (p.Asn569Asp)

Gene: PTPRO (protein tyrosine phosphatase receptor type O; plus strand). Cytogenetic location: 12p12.3.
Variant type: single nucleotide variant.
Coding change: c.1705A>G on transcript NM_030667.3 (MANE Select); coding-DNA position 1705, A replaced by G.
Protein change: p.Asn569Asp; replaces asparagine 569 with aspartic acid.
Molecular consequence: missense variant.
Genome position (GRCh38, 1-based): chr12:15,516,882, A>G. VCF-style: chr12-15516882-A-G. GRCh37 (hg19) VCF-style: chr12-15669816-A-G.
Other names: c.1705A>G (NM_030667.2); c.1705A>G, p.Asn569Asp (NM_002848.4); short protein forms N569D.
Identifiers: ClinVar variation 1913269 (VCV001913269.7), dbSNP rs200394027, ClinGen allele CA6466590.
Genomic context (GRCh38, chr12:15,516,882, plus strand): 5'-AGCTGGACCAGACCTTATTTAGGCGTGTTCAGAAAATACGTGGTTGAAATGTTTTATTTC[A>G]ACCCTGCTACAATGACATCAGAGTGGACCACCTACTATGAAATAGCAGCAACTGTTTCCT-3'
Protein context (NP_109592.1, residues 559-579): RKYVVEMFYF[Asn569Asp]PATMTSEWTT

ClinVar aggregate classification (germline): Uncertain significance. Review status: criteria provided, multiple submitters, no conflicts (2 of 4 stars). 2 submissions from 2 submitters: Uncertain significance (2). Last evaluated 2023-01-13.

Allele frequency attached by ClinVar (database versions not stated): ExAC 0.00001; gnomAD exomes 0.00002; TOPMed 0.00002; gnomAD 0.00003.
gnomAD v4.1: 41 of 1,613,562 alleles (0.0025%); highest among the groups gnomAD compares: Admixed American, 0.01%; no homozygotes.

Submissions (2):

Ambry Genetics
Classification: Uncertain significance. Last evaluated: 2023-01-13. Review status: criteria provided, single submitter. Criteria: Ambry Variant Classification Scheme 2023. Collection method: clinical testing. Allele origin: germline.

Labcorp Genetics (formerly Invitae), Labcorp
Classification: Uncertain significance. Last evaluated: 2022-06-22. Review status: criteria provided, single submitter. Criteria: Invitae Variant Classification Sherloc (09022015). Collection method: clinical testing. Allele origin: germline.
Comment: This variant is present in population databases (rs200394027, gnomAD 0.01%). This sequence change replaces asparagine, which is neutral and polar, with aspartic acid, which is acidic and polar, at codon 569 of the PTPRO protein (p.Asn569Asp). In summary, the available evidence is currently insufficient to determine the role of this variant in disease. Therefore, it has been classified as a Variant of Uncertain Significance. Algorithms developed to predict the effect of missense changes on protein structure and function are either unavailable or do not agree on the potential impact of this missense change (SIFT: "Deleterious"; PolyPhen-2: "Probably Damaging"; Align-GVGD: "Class C15"). This variant has not been reported in the literature in individuals affected with PTPRO-related conditions.